The following is an entry in ClinVar:

NM_000414.4(HSD17B4):c.752G>T (p.Arg251Leu)

Gene: HSD17B4 (hydroxysteroid 17-beta dehydrogenase 4; plus strand). Cytogenetic location: 5q23.1.
Variant type: single nucleotide variant.
Coding change: c.752G>T on transcript NM_000414.4 (MANE Select); coding-DNA position 752, G replaced by T.
Protein change: p.Arg251Leu; replaces arginine 251 with leucine.
Molecular consequence: missense variant. On other transcripts: non-coding transcript variant (2).
Genome position (GRCh38, 1-based): chr5:119,493,830, G>T. VCF-style: chr5-119493830-G-T. GRCh37 (hg19) VCF-style: chr5-118829525-G-T.
Other names: c.827G>T, p.Arg276Leu (NM_001199291.3); c.698G>T, p.Arg233Leu (NM_001199292.2); c.680G>T, p.Arg227Leu (NM_001292027.2); c.332G>T, p.Arg111Leu (NM_001292028.2); c.743G>T, p.Arg248Leu (NM_001374497.1); c.752G>T, p.Arg251Leu (NM_001374498.1); c.425G>T, p.Arg142Leu (NM_001374499.1); c.311G>T, p.Arg104Leu (NM_001374500.1); and 1 more; short protein forms R111L, R142L, R233L, R251L, R248L, R104L, R114L, R227L.
Identifiers: ClinVar variation 1994475 (VCV001994475.4), dbSNP rs773024366, ClinGen allele CA360867171.

ClinVar aggregate classification (germline): Likely pathogenic (1 of 4 stars; one submission).

Conditions:
Bifunctional peroxisomal enzyme deficiency (DBIF). Also called: DBP DEFICIENCY; PBFE DEFICIENCY; D-bifunctional protein deficiency. Identifiers: Orphanet 300, MedGen C0342870, MONDO:0009855, OMIM 261515. Disease mechanism: loss of function.
Perrault syndrome. Also called: Gonadal dysgenesis with auditory dysfunction, autosomal recessive inheritance. Identifiers: Orphanet 2855, MedGen C0685838, MONDO:0017312.

Submission:

Labcorp Genetics (formerly Invitae), Labcorp
Classification: Likely pathogenic for Perrault syndrome; Bifunctional peroxisomal enzyme deficiency. Last evaluated: 2022-05-14. Review status: criteria provided, single submitter. Criteria: Invitae Variant Classification Sherloc (09022015). Collection method: clinical testing. Allele origin: germline.
Comment: This sequence change replaces arginine, which is basic and polar, with leucine, which is neutral and non-polar, at codon 251 of the HSD17B4 protein (p.Arg251Leu). In summary, the currently available evidence indicates that the variant is pathogenic, but additional data are needed to prove that conclusively. Therefore, this variant has been classified as Likely Pathogenic. This variant disrupts the p.Arg251 amino acid residue in HSD17B4. Other variant(s) that disrupt this residue have been determined to be pathogenic (Invitae). This suggests that this residue is clinically significant, and that variants that disrupt this residue are likely to be disease-causing. Advanced modeling of protein sequence and biophysical properties (such as structural, functional, and spatial information, amino acid conservation, physicochemical variation, residue mobility, and thermodynamic stability) performed at Invitae indicates that this missense variant is expected to disrupt HSD17B4 protein function. This variant has not been reported in the literature in individuals affected with HSD17B4-related conditions. This variant is not present in population databases (gnomAD no frequency).